The following is an entry in ClinVar:

ClinVar aggregate classification (germline): Likely benign. Review status: criteria provided, multiple submitters, no conflicts (2 of 4 stars). 3 submissions from 3 submitters: Likely benign (2). 1 of the submissions does not count toward it. Last evaluated 2025-11-06.

Conditions:
Immunodeficiency, common variable, 7. Identifiers: Orphanet 1572, Orphanet 696894, MedGen C3542922, MONDO:0013862, OMIM 614699.
CR2-related disorder. Also called: CR2-related condition; CR2-related disorders.

Allele frequency attached by ClinVar (database versions not stated): ExAC 0.00001; gnomAD 0.00001; gnomAD exomes 0.00001; TOPMed 0.00002.

Submissions (3):

Labcorp Genetics (formerly Invitae), Labcorp
Classification: Likely benign for Immunodeficiency, common variable, 7. Last evaluated: 2025-11-06. Review status: criteria provided, single submitter. Criteria: Invitae Variant Classification Sherloc (09022015). Collection method: clinical testing. Allele origin: germline.

Breakthrough Genomics
Classification: Likely benign. Review status: criteria provided, single submitter. Criteria: ACMG Guidelines, 2015. Collection method: not provided. Allele origin: germline. Inheritance: Autosomal recessive inheritance. Affected: yes.

PreventionGenetics, part of Exact Sciences
Classification: Likely benign for CR2-related condition. Last evaluated: 2022-05-10. Review status: no assertion criteria provided. Collection method: clinical testing. Allele origin: germline. Not counted in ClinVar's aggregate classification.
Comment: This variant is classified as likely benign based on ACMG/AMP sequence variant interpretation guidelines (Richards et al. 2015 PMID: 25741868, with internal and published modifications).

NM_001006658.3(CR2):c.1149C>T (p.Phe383=)

Genes: CR2 (complement C3d receptor 2; plus strand), LOC126805994 (BRD4-independent group 4 enhancer GRCh37_chr1:207642622-207643821; plus strand). Cytogenetic location: 1q32.2.
Variant type: single nucleotide variant.
Coding change: c.1149C>T on transcript NM_001006658.3 (MANE Select); coding-DNA position 1149, C replaced by T.
Protein change: p.Phe383=; no amino-acid change (phenylalanine 383 retained).
Molecular consequence: synonymous variant.
Genome position (GRCh38, 1-based): chr1:207,470,026, C>T. VCF-style: chr1-207470026-C-T. GRCh37 (hg19) VCF-style: chr1-207643371-C-T.
Other names: c.1149C>T, p.Phe383= (NM_001877.5); c.1149C>T (NM_001006658.2).
Identifiers: ClinVar variation 1621588 (VCV001621588.11), dbSNP rs756529992, ClinGen allele CA1368637.